The following is an entry in ClinVar:

NM_144997.7(FLCN):c.748C>A (p.Leu250Met)

Gene: FLCN (folliculin; minus strand). Cytogenetic location: 17p11.2.
Variant type: single nucleotide variant.
Coding change: c.748C>A on transcript NM_144997.7 (MANE Select); coding-DNA position 748, C replaced by A.
Protein change: p.Leu250Met; replaces leucine 250 with methionine.
Molecular consequence: missense variant.
Genome position (GRCh38, 1-based): chr17:17,222,532, G>T on the plus strand (C>A on the coding strand, the complement: FLCN is on the minus strand). VCF-style: chr17-17222532-G-T. GRCh37 (hg19) VCF-style: chr17-17125846-G-T.
Other names: c.748C>A (LRG_325t1); c.802C>A, p.Leu268Met (NM_001353229.2); c.748C>A, p.Leu250Met (NM_001353230.2, NM_001353231.2, NM_144606.7); short protein forms L250M, L268M.
Identifiers: ClinVar variation 409379 (VCV000409379.17), dbSNP rs898441209, ClinGen allele CA16615122.

ClinVar aggregate classification (germline): Conflicting classifications of pathogenicity. Review status: criteria provided, conflicting classifications (1 of 4 stars). 6 submissions from 6 submitters: Uncertain significance (5); Likely benign (1). Last evaluated 2026-02-07.

Conditions:
17p11.2 microduplication syndrome (PTLS). Also called: CHROMOSOME 17p11.2 DUPLICATION SYNDROME; Potocki-Lupski syndrome; Duplication 17p11.2 syndrome; Potocki-Lupski syndrome (dup(17)(p11.2p11.2)). Identifiers: Orphanet 1713, MedGen C2931246, MONDO:0012574, OMIM 610883.
Familial spontaneous pneumothorax (PSP). Identifiers: Orphanet 2903, MedGen C1868193, MONDO:0008259, OMIM 173600.
Nonpapillary renal cell carcinoma. Identifiers: Orphanet 422526, MedGen CN074294, MONDO:0007763, OMIM 144700.
Colorectal cancer. Also called: Colorectal cancer, somatic; Malignant Colorectal Neoplasm. Identifiers: MedGen C0346629, MONDO:0005575, OMIM 114500.
Birt-Hogg-Dube syndrome. Also called: Birt Hogg Dubé syndrome. Identifiers: Orphanet 122, MedGen C0346010, MONDO:0800444.
FLCN-related disorder. Also called: FLCN-related condition.
Hereditary cancer-predisposing syndrome. Also called: Neoplastic Syndromes, Hereditary; Tumor predisposition; Hereditary Cancer Syndrome; Hereditary neoplastic syndrome. Identifiers: Orphanet 140162, MedGen C0027672, MeSH D009386, MONDO:0015356.

Allele frequency attached by ClinVar (database versions not stated): TOPMed below 0.00001; gnomAD 0.00001.

Submissions (6):

PreventionGenetics, part of Exact Sciences
Classification: Uncertain significance for FLCN-related condition. Last evaluated: 2026-02-07. Review status: criteria provided, single submitter. Criteria: ACMG Guidelines, 2015. Collection method: clinical testing. Allele origin: germline.
Comment: The FLCN c.748C>A variant is predicted to result in the amino acid substitution p.Leu250Met. To our knowledge, this variant has not been reported in the literature or in a large population database (gnomAD), indicating this variant is rare. This variant has conflicting interpretations regarding its pathogenicity in ClinVar, ranging from likely benign to uncertain (Variation ID: 409379). At this time, the clinical significance of this variant is uncertain due to the absence of conclusive functional and genetic evidence.

Labcorp Genetics (formerly Invitae), Labcorp
Classification: Uncertain significance for Birt-Hogg-Dube syndrome. Last evaluated: 2026-01-10. Review status: criteria provided, single submitter. Criteria: Invitae Variant Classification Sherloc (09022015). Collection method: clinical testing. Allele origin: germline.
Comment: This sequence change replaces leucine, which is neutral and non-polar, with methionine, which is neutral and non-polar, at codon 250 of the FLCN protein (p.Leu250Met). This variant is not present in population databases (gnomAD no frequency). This variant has not been reported in the literature in individuals affected with FLCN-related conditions. ClinVar contains an entry for this variant (Variation ID: 409379). Invitae Evidence Modeling of protein sequence and biophysical properties (such as structural, functional, and spatial information, amino acid conservation, physicochemical variation, residue mobility, and thermodynamic stability) indicates that this missense variant is expected to disrupt FLCN protein function with a positive predictive value of 80%. In summary, the available evidence is currently insufficient to determine the role of this variant in disease. Therefore, it has been classified as a Variant of Uncertain Significance.

Ambry Genetics
Classification: Likely benign for Hereditary cancer-predisposing syndrome. Last evaluated: 2023-04-13. Review status: criteria provided, single submitter. Criteria: Ambry Variant Classification Scheme 2023. Collection method: clinical testing. Allele origin: germline.

GeneDx
Classification: Uncertain significance. Last evaluated: 2022-10-27. Review status: criteria provided, single submitter. Criteria: GeneDx Variant Classification Process June 2021. Collection method: clinical testing. Allele origin: germline. Affected: yes.
Comment: Not observed at significant frequency in large population cohorts (gnomAD); In silico analysis supports that this missense variant does not alter protein structure/function; Has not been previously published as pathogenic or benign to our knowledge

Fulgent Genetics
Classification: Uncertain significance for Colorectal cancer; Birt-Hogg-Dube syndrome 1; Nonpapillary renal cell carcinoma; Familial spontaneous pneumothorax; 17p11.2 microduplication syndrome. Last evaluated: 2022-04-16. Review status: criteria provided, single submitter. Criteria: ACMG Guidelines, 2015. Collection method: clinical testing. Allele origin: unknown.

Quest Diagnostics Nichols Institute San Juan Capistrano
Classification: Uncertain significance. Last evaluated: 2021-09-01. Review status: criteria provided, single submitter. Criteria: Quest Diagnostics criteria. Collection method: clinical testing. Allele origin: unknown.